The following is an entry in ClinVar:

ClinVar aggregate classification (germline): Pathogenic/Likely pathogenic. Review status: criteria provided, multiple submitters, no conflicts (2 of 4 stars). 5 submissions from 5 submitters: Pathogenic (3); Likely pathogenic (1). 1 of the submissions does not count toward it. Last evaluated 2026-06-12.

Conditions:
Pervasive developmental disorder. Also called: Rare pervasive developmental disorder. Identifiers: Orphanet 168778, MedGen C0524528, MONDO:0000594.
Developmental and epileptic encephalopathy 108 (DEE108). Identifiers: MedGen C5774253, MONDO:0859314, OMIM 620115.

Submissions (5):

Undiagnosed Diseases Network, NIH
Classification: Likely pathogenic for Developmental and epileptic encephalopathy 108. Last evaluated: 2026-06-12. Review status: criteria provided, single submitter. Criteria: ACMG Guidelines, 2015. Collection method: clinical testing. Allele origin: de novo. Inheritance: Autosomal dominant inheritance. Affected: yes. Observed: 1 variant allele, 1 heterozygote. Study: Undiagnosed Diseases Network (NIH), UDN.

GeneDx
Classification: Pathogenic. Last evaluated: 2025-05-14. Review status: criteria provided, single submitter. Criteria: GeneDx Variant Classification Process June 2021. Collection method: clinical testing. Allele origin: germline. Affected: yes.
Comment: Not observed at significant frequency in large population cohorts (gnomAD); In silico analysis supports that this missense variant has a deleterious effect on protein structure/function; This variant is associated with the following publications: (PMID: 30842224, 34185323, 33057194, 35982159)

Institute of Medical Genetics and Applied Genomics, University Hospital Tübingen
Classification: Pathogenic for Pervasive developmental disorder. Last evaluated: 2024-02-16. Review status: criteria provided, single submitter. Criteria: ACMG Guidelines, 2015. Collection method: clinical testing. Allele origin: de novo. Inheritance: Autosomal dominant inheritance. Affected: yes.

Juno Genomics, Hangzhou Juno Genomics, Inc
Classification: Pathogenic for Developmental and epileptic encephalopathy 108. Review status: criteria provided, single submitter. Criteria: ACMG Guidelines, 2015. Collection method: clinical testing. Allele origin: germline. Affected: yes.
Comment: Absent from controls (or at extremely low frequency if recessive) in Genome Aggregation Database, Exome Sequencing Project, 1000 Genomes Project, or Exome Aggregation Consortium.;Multiple lines of computational evidence support a deleterious effect on the gene or gene product (conservation, evolutionary, splicing impact, etc).;Missense variant in a gene that has a low rate of benign missense variation and where missense variants are a common mechanism of disease.;The prevalence of the variant in affected individuals is significantly increased compared to the prevalence in controls.;Assumed de novo, but without confirmation of paternity and maternity.

OMIM
Classification: Pathogenic for DEVELOPMENTAL AND EPILEPTIC ENCEPHALOPATHY 108. Last evaluated: 2022-11-10. Review status: no assertion criteria provided. Collection method: literature only. Allele origin: germline. Not counted in ClinVar's aggregate classification.

Literature cited by the submitters: PubMed 34185323 (cited by Undiagnosed Diseases Network, NIH and OMIM).

NM_001393504.1(MAST3):c.1615G>A (p.Gly539Ser)

Gene: MAST3 (microtubule associated serine/threonine kinase 3; plus strand). Cytogenetic location: 19p13.11.
Variant type: single nucleotide variant.
Coding change: c.1615G>A on transcript NM_001393504.1 (MANE Select); coding-DNA position 1615, G replaced by A.
Protein change: p.Gly539Ser; replaces glycine 539 with serine.
Molecular consequence: missense variant.
Genome position (GRCh38, 1-based): chr19:18,134,622, G>A. VCF-style: chr19-18134622-G-A. GRCh37 (hg19) VCF-style: chr19-18245432-G-A.
Other names: c.1546G>A, p.Gly516Ser (NM_001393512.1, NM_001393517.1, NM_001393518.1 and 2 more transcripts); c.1567G>A, p.Gly523Ser (NM_001393513.1, NM_001393506.1); c.1528G>A, p.Gly510Ser (NM_001393514.1, NM_015016.2); c.1525G>A, p.Gly509Ser (NM_001393515.1, NM_001393520.1); c.1549G>A, p.Gly517Ser (NM_001393516.1, NM_001393508.1); c.1543G>A, p.Gly515Ser (NM_001393519.1, NM_001393511.1); c.1501G>A, p.Gly501Ser (NM_001393521.1); c.1639G>A, p.Gly547Ser (NM_001393501.1); and 4 more; short protein forms G510S, G501S, G509S, G515S, G516S, G517S, G523S, G532S.
Identifiers: ClinVar variation 1172537 (VCV001172537.12), dbSNP rs1478088223, ClinGen allele CA404814045.
Genomic context (GRCh38, chr19:18,134,622, plus strand): 5'-TCCTAACCTGCCCACAGTCTGCTCATCACCTCGCTTGGCCACATCAAGCTCACGGACTTC[G>A]GCCTGTCCAAGATCGGCCTCATGAGCATGGCCACCAACCTCTATGAGGGCCACATCGAGA-3'
Protein context (NP_001380433.1, residues 529-549): SLGHIKLTDF[Gly539Ser]LSKIGLMSMA